The following is an entry in ClinVar:

ClinVar aggregate classification (germline): Uncertain significance (1 of 4 stars; one submission).

Conditions:
Cortical dysplasia-focal epilepsy syndrome (PTHSL1). Also called: Pitt-Hopkins-like syndrome 1. Identifiers: Orphanet 163681, Orphanet 221150, MedGen C2750246, MONDO:0012400, OMIM 610042.

Allele frequency attached by ClinVar (database versions not stated): gnomAD exomes below 0.00001.
gnomAD v4.1: 1 of 1,613,762 alleles (0.000062%); highest among the groups gnomAD compares: African/African-American, 0.0013%; no homozygotes.

Submission:

Labcorp Genetics (formerly Invitae), Labcorp
Classification: Uncertain significance for Cortical dysplasia-focal epilepsy syndrome. Last evaluated: 2022-06-26. Review status: criteria provided, single submitter. Criteria: Invitae Variant Classification Sherloc (09022015). Collection method: clinical testing. Allele origin: germline.
Comment: This sequence change replaces isoleucine, which is neutral and non-polar, with serine, which is neutral and polar, at codon 225 of the CNTNAP2 protein (p.Ile225Ser). This variant is not present in population databases (gnomAD no frequency). This variant has not been reported in the literature in individuals affected with CNTNAP2-related conditions. Algorithms developed to predict the effect of missense changes on protein structure and function are either unavailable or do not agree on the potential impact of this missense change (SIFT: "Deleterious"; PolyPhen-2: "Benign"; Align-GVGD: "Class C0"). In summary, the available evidence is currently insufficient to determine the role of this variant in disease. Therefore, it has been classified as a Variant of Uncertain Significance.

NM_014141.6(CNTNAP2):c.674T>G (p.Ile225Ser)

Gene: CNTNAP2 (contactin associated protein 2; plus strand). Cytogenetic location: 7q35.
Variant type: single nucleotide variant.
Coding change: c.674T>G on transcript NM_014141.6 (MANE Select); coding-DNA position 674, T replaced by G.
Protein change: p.Ile225Ser; replaces isoleucine 225 with serine.
Molecular consequence: missense variant.
Genome position (GRCh38, 1-based): chr7:147,108,270, T>G. VCF-style: chr7-147108270-T-G. GRCh37 (hg19) VCF-style: chr7-146805362-T-G.
Other names: short protein forms I225S.
Identifiers: ClinVar variation 2010830 (VCV002010830.1), dbSNP rs2485881275, ClinGen allele CA369923196.
Genomic context (GRCh38, chr7:147,108,270, plus strand): 5'-TGAAAACACTGAAAGATGTCATTGCCTTGAACTTTAAGACGTCTGAAAGTGAAGGAGTAA[T>G]CCTGCACGGAGAAGGACAGCAAGGAGATTACATTACCTTGGAACTGAAAAAAGCCAAGCT-3'
Protein context (NP_054860.1, residues 215-235): NFKTSESEGV[Ile225Ser]LHGEGQQGDY